The following is an entry in ClinVar:

ClinVar aggregate classification (germline): Pathogenic (1 of 4 stars; one submission).

Conditions:
Achondrogenesis, type IB (ACG1B). Also called: Achondrogenesis Type 1B. Identifiers: Orphanet 932, Orphanet 93298, MedGen C0265274, MONDO:0010966, OMIM 600972.
Diastrophic dysplasia (DTD). Also called: Diastrophic dwarfism. Identifiers: Orphanet 628, MedGen C0220726, MONDO:0009107, OMIM 222600.
Multiple epiphyseal dysplasia type 4 (EDM4). Also called: Multiple Epiphyseal Dysplasia, Recessive; MULTIPLE EPIPHYSEAL DYSPLASIA WITH BILAYERED PATELLAE; MULTIPLE EPIPHYSEAL DYSPLASIA WITH CLUBFOOT; MULTIPLE EPIPHYSEAL DYSPLASIA, AUTOSOMAL RECESSIVE; SLC26A2-Related Multiple Epiphyseal Dysplasia. Identifiers: Orphanet 93307, MedGen C1847593, MONDO:0009189, OMIM 226900.
Atelosteogenesis type II (AO2). Also called: NEONATAL OSSEOUS DYSPLASIA I; Neonatal osseous dysplasia 1; SLC26A2-Related Atelosteogenesis. Identifiers: Orphanet 56304, MedGen C1850554, MONDO:0009727, OMIM 256050.

Submission:

Labcorp Genetics (formerly Invitae), Labcorp
Classification: Pathogenic for Atelosteogenesis type II; Multiple epiphyseal dysplasia type 4; Achondrogenesis, type IB; Diastrophic dysplasia. Last evaluated: 2023-03-21. Review status: criteria provided, single submitter. Criteria: Invitae Variant Classification Sherloc (09022015). Collection method: clinical testing. Allele origin: germline.
Comment: For these reasons, this variant has been classified as Pathogenic. This variant has not been reported in the literature in individuals affected with SLC26A2-related conditions. This variant is not present in population databases (gnomAD no frequency). This sequence change creates a premature translational stop signal (p.Tyr142*) in the SLC26A2 gene. It is expected to result in an absent or disrupted protein product. Loss-of-function variants in SLC26A2 are known to be pathogenic (PMID: 7923357, 10482955, 11241838).

Literature cited by the submitters: PubMed 7923357; PubMed 10482955; PubMed 11241838.

NM_000112.4(SLC26A2):c.426C>A (p.Tyr142Ter)

Gene: SLC26A2 (solute carrier family 26 member 2; plus strand). Cytogenetic location: 5q32.
Variant type: single nucleotide variant.
Coding change: c.426C>A on transcript NM_000112.4 (MANE Select); coding-DNA position 426, C replaced by A.
Protein change: p.Tyr142Ter; replaces tyrosine 142 with a stop codon.
Molecular consequence: nonsense.
Genome position (GRCh38, 1-based): chr5:149,978,078, C>A. VCF-style: chr5-149978078-C-A. GRCh37 (hg19) VCF-style: chr5-149357641-C-A.
Other names: short protein forms Y142*.
Identifiers: ClinVar variation 2945621 (VCV002945621.3), dbSNP rs2113695999, ClinGen allele CA361704966.